The following is an entry in ClinVar:

NC_000017.10:g.(?_63187690)_(63189718_?)del

Gene: RGS9 (regulator of G protein signaling 9; plus strand). Cytogenetic location: 17q24.1.
Variant type: Deletion.
Identifiers: ClinVar variation 1360244 (VCV001360244.5).

ClinVar aggregate classification (germline): Likely pathogenic (1 of 4 stars; one submission).

Submission:

Labcorp Genetics (formerly Invitae), Labcorp
Classification: Likely pathogenic. Last evaluated: 2023-11-27. Review status: criteria provided, single submitter. Criteria: Invitae Variant Classification Sherloc (09022015). Collection method: clinical testing. Allele origin: germline.
Comment: This variant results in the deletion of part of exon 12 (c.746+1336_804del) of the RGS9 gene. It is expected to disrupt RNA splicing. Variants that disrupt the donor or acceptor splice site typically lead to a loss of protein function (PMID: 16199547), and loss-of-function variants in RGS9 are known to be pathogenic (PMID: 11262419, 14702087). This variant has not been reported in the literature in individuals affected with RGS9-related conditions. In summary, the currently available evidence indicates that the variant is pathogenic, but additional data are needed to prove that conclusively. Therefore, this variant has been classified as Likely Pathogenic.

Literature cited by the submitters: PubMed 16199547; PubMed 11262419; PubMed 14702087.